The following is an entry in ClinVar:

NM_004168.4(SDHA):c.1526_1527delinsGA (p.Ser509Ter)

Gene: SDHA (succinate dehydrogenase complex flavoprotein subunit A; plus strand). Cytogenetic location: 5p15.33.
Variant type: Indel.
Coding change: c.1526_1527delinsGA on transcript NM_004168.4 (MANE Select); coding-DNA positions 1526 to 1527, CG replaced by GA.
Protein change: p.Ser509Ter; replaces serine 509 with a stop codon.
Molecular consequence: nonsense.
Genome position (GRCh38, 1-based): chr5:240,451-240,452, CG replaced by GA. VCF-style: chr5-240451-CG-GA. GRCh37 (hg19) VCF-style: chr5-240566-CG-GA.
Other names: c.1382_1383delinsGA, p.Ser461Ter (NM_001294332.2); c.1526_1527delinsGA, p.Ser509Ter (NM_001330758.2); short protein forms S461*, S509*.
Identifiers: ClinVar variation 418987 (VCV000418987.16), dbSNP rs1064793567, ClinGen allele CA16618198.
Genomic context (GRCh38, chr5:240,451, plus strand): 5'-GGGAAGAATCTGTCATGAATCTTGACAAATTGAGATTTGCTGATGGAAGCATAAGAACAT[CG>GA]GAACTGCGACTCAGCATGCAGAAGGTAAGAGCCTGGACTCGCTCTGGAGTGAGCAGGAGG-3'

ClinVar aggregate classification (germline): Pathogenic/Likely pathogenic. Review status: criteria provided, multiple submitters, no conflicts (2 of 4 stars). 6 submissions from 6 submitters: Pathogenic (5); Likely pathogenic (1). Last evaluated 2026-01-28.

Conditions:
SDHA-related disorder. Also called: SDHA-related disorders; SDHA-related condition.
Mitochondrial complex II deficiency, nuclear type 1. Also called: SUCCINATE CoQ REDUCTASE DEFICIENCY. Identifiers: Orphanet 3208, MedGen C5700310, MONDO:0100294, OMIM 252011.
Pheochromocytoma/paraganglioma syndrome 5. Also called: SDHA-Related Hereditary Paraganglioma-Pheochromocytoma Syndrome; Paragangliomas 5. Identifiers: Orphanet 29072, MedGen C3279992, MONDO:0013602, OMIM 614165.
Hereditary cancer-predisposing syndrome. Also called: Neoplastic Syndromes, Hereditary; Hereditary Cancer Syndrome; Tumor predisposition; Hereditary neoplastic syndrome. Identifiers: Orphanet 140162, MedGen C0027672, MeSH D009386, MONDO:0015356.
Dilated cardiomyopathy 1GG (CMD1GG). Identifiers: Orphanet 154, MedGen C3150898, MONDO:0013339, OMIM 613642.

Submissions (6):

Labcorp Genetics (formerly Invitae), Labcorp
Classification: Pathogenic for Pheochromocytoma/paraganglioma syndrome 5; Mitochondrial complex II deficiency, nuclear type 1. Last evaluated: 2026-01-28. Review status: criteria provided, single submitter. Criteria: Invitae Variant Classification Sherloc (09022015). Collection method: clinical testing. Allele origin: germline.
Comment: This sequence change creates a premature translational stop signal (p.Ser509*) in the SDHA gene. It is expected to result in an absent or disrupted protein product. Loss-of-function variants in SDHA are known to be pathogenic (PMID: 22974104, 24781757). The frequency data for this variant in the population databases is considered unreliable, as metrics indicate poor data quality at this position in the gnomAD database. This variant has not been reported in the literature in individuals affected with SDHA-related conditions. ClinVar contains an entry for this variant (Variation ID: 418987). For these reasons, this variant has been classified as Pathogenic.

Ambry Genetics
Classification: Pathogenic for Hereditary cancer-predisposing syndrome. Last evaluated: 2025-05-27. Review status: criteria provided, single submitter. Criteria: Ambry Variant Classification Scheme 2023. Collection method: clinical testing. Allele origin: germline.
Comment: The c.1526_1527delCGinsGA pathogenic mutation, located in coding exon 11 of the SDHA gene, results from an in-frame deletion of CG and insertion of GA at nucleotide positions 1526 to 1527. This changes the amino acid from a serine to a stop codon within coding exon 11 (p.S509*). This variant is considered to be rare based on population cohorts in the Genome Aggregation Database (gnomAD). This alteration is expected to result in loss of function by premature protein truncation or nonsense-mediated mRNA decay. As such, this alteration is interpreted as a disease-causing mutation.

Myriad Genetics, Inc.
Classification: Pathogenic for Pheochromocytoma/paraganglioma syndrome 5. Last evaluated: 2024-02-08. Review status: criteria provided, single submitter. Criteria: Myriad Autosomal Dominant, Autosomal Recessive and X-Linked Classification Criteria (2023). Collection method: clinical testing. Allele origin: unknown.
Comment: This variant is considered pathogenic. This variant creates a termination codon and is predicted to result in premature protein truncation.

Baylor Genetics
Classification: Likely pathogenic for Dilated cardiomyopathy 1GG. Last evaluated: 2023-05-24. Review status: criteria provided, single submitter. Criteria: ACMG Guidelines, 2015. Collection method: clinical testing. Allele origin: unknown.

PreventionGenetics, part of Exact Sciences
Classification: Pathogenic for SDHA-related condition. Last evaluated: 2023-04-07. Review status: criteria provided, single submitter. Criteria: ACMG Guidelines, 2015. Collection method: clinical testing. Allele origin: germline.
Comment: The SDHA c.1526_1527delinsGA variant is predicted to result in premature protein termination (p.Ser509*). To our knowledge, this variant has not been reported in the literature or in a large population database, indicating this variant is rare. Nonsense variants in SDHA are expected to be pathogenic. This variant is interpreted as pathogenic.

GeneDx
Classification: Pathogenic. Last evaluated: 2017-04-27. Review status: criteria provided, single submitter. Criteria: GeneDx Variant Classification (06012015). Collection method: clinical testing. Allele origin: germline. Affected: yes.
Comment: This variant is denoted SDHA c.1526_1527delCGinsGA at the cDNA level and p.Ser509Ter (S509X) at the protein level. The surrounding sequence is ACAT[delCG][insGA]GAAC. This in frame deletion and insertion of 2 nucleotides creates a nonsense variant, which changes a Serine to a premature stop codon. Although this variant has not, to our knowledge, been reported in the literature, it is predicted to cause loss of normal protein function through either protein truncation or nonsense-mediated mRNA decay. We consider SDHA c.1526_1527delCGinsGA to be pathogenic.

Literature cited by the submitters: PubMed 22974104 (cited by Labcorp Genetics (formerly Invitae), Labcorp); PubMed 24781757 (cited by Labcorp Genetics (formerly Invitae), Labcorp).